The following is an entry in ClinVar:

ClinVar aggregate classification (germline): Uncertain significance (1 of 4 stars; one submission).

Conditions:
Arrhythmogenic right ventricular dysplasia 13. Also called: ARRHYTHMOGENIC RIGHT VENTRICULAR CARDIOMYOPATHY 13; Arrhythmogenic right ventricular dysplasia, familial, 13. Identifiers: MedGen C3810138, MONDO:0000908, OMIM 615616.

gnomAD v4.1: 1 of 1,614,134 alleles (0.000062%); highest among the groups gnomAD compares: Non-Finnish European, 0.000085%; no homozygotes.

Submission:

Labcorp Genetics (formerly Invitae), Labcorp
Classification: Uncertain significance for Arrhythmogenic right ventricular dysplasia 13. Last evaluated: 2024-10-05. Review status: criteria provided, single submitter. Criteria: Invitae Variant Classification Sherloc (09022015). Collection method: clinical testing. Allele origin: germline.
Comment: This sequence change replaces glutamine, which is neutral and polar, with histidine, which is basic and polar, at codon 260 of the CTNNA3 protein (p.Gln260His). This variant is not present in population databases (gnomAD no frequency). This variant has not been reported in the literature in individuals affected with CTNNA3-related conditions. Invitae Evidence Modeling of protein sequence and biophysical properties (such as structural, functional, and spatial information, amino acid conservation, physicochemical variation, residue mobility, and thermodynamic stability) indicates that this missense variant is not expected to disrupt CTNNA3 protein function with a negative predictive value of 80%. In summary, the available evidence is currently insufficient to determine the role of this variant in disease. Therefore, it has been classified as a Variant of Uncertain Significance.

NM_013266.4(CTNNA3):c.780G>T (p.Gln260His)

Gene: CTNNA3 (catenin alpha 3; minus strand). Cytogenetic location: 10q21.3.
Variant type: single nucleotide variant.
Coding change: c.780G>T on transcript NM_013266.4 (MANE Select); coding-DNA position 780, G replaced by T.
Protein change: p.Gln260His; replaces glutamine 260 with histidine.
Molecular consequence: missense variant.
Genome position (GRCh38, 1-based): chr10:67,219,670, C>A on the plus strand (G>T on the coding strand, the complement: CTNNA3 is on the minus strand). VCF-style: chr10-67219670-C-A. GRCh37 (hg19) VCF-style: chr10-68979428-C-A.
Other names: c.780G>T, p.Gln260His (NM_001127384.3); c.816G>T, p.Gln272His (NM_001291133.2); short protein forms Q272H, Q260H.
Identifiers: ClinVar variation 3704525 (VCV003704525.2).